The following is an entry in ClinVar:

NM_014963.3(SBNO2):c.1497C>T (p.Phe499=)

Gene: SBNO2 (strawberry notch homolog 2; minus strand). Cytogenetic location: 19p13.3.
Variant type: single nucleotide variant.
Coding change: c.1497C>T on transcript NM_014963.3 (MANE Select); coding-DNA position 1497, C replaced by T.
Protein change: p.Phe499=; no amino-acid change (phenylalanine 499 retained).
Molecular consequence: synonymous variant.
Genome position (GRCh38, 1-based): chr19:1,119,041, G>A on the plus strand (C>T on the coding strand, the complement: SBNO2 is on the minus strand). VCF-style: chr19-1119041-G-A. GRCh37 (hg19) VCF-style: chr19-1119040-G-A.
Other names: c.1326C>T, p.Phe442= (NM_001100122.2).
Identifiers: ClinVar variation 2648904 (VCV002648904.24), dbSNP rs111747553, ClinGen allele CA9038619.

ClinVar aggregate classification (germline): Likely benign (1 of 4 stars; one submission).

Allele frequency attached by ClinVar (database versions not stated): 1000 Genomes Project 30x 0.00016; 1000 Genomes Project 0.00020; ExAC 0.00085; TOPMed 0.00099; gnomAD 0.00115; gnomAD exomes 0.00119; ESP Exome Variant Server 0.00140.
gnomAD v4.1: 1,906 of 1,603,912 alleles (0.12%); highest among the groups gnomAD compares: Non-Finnish European, 0.14%; no homozygotes.

Submission:

CeGaT Center for Human Genetics Tuebingen
Classification: Likely benign. Last evaluated: 2022-10-01. Review status: criteria provided, single submitter. Criteria: CeGaT Center For Human Genetics Tuebingen Variant Classification Criteria Version 2. Collection method: clinical testing. Allele origin: germline. Affected: yes. Observed: 1 variant allele.
Comment: SBNO2: BP4, BP7